The following is an entry in ClinVar:

NM_006180.6(NTRK2):c.522G>A (p.Leu174=)

Gene: NTRK2 (neurotrophic receptor tyrosine kinase 2; plus strand). Cytogenetic location: 9q21.33.
Variant type: single nucleotide variant.
Coding change: c.522G>A on transcript NM_006180.6 (MANE Select); coding-DNA position 522, G replaced by A.
Protein change: p.Leu174=; no amino-acid change (leucine 174 retained).
Molecular consequence: synonymous variant.
Genome position (GRCh38, 1-based): chr9:84,710,730, G>A. VCF-style: chr9-84710730-G-A. GRCh37 (hg19) VCF-style: chr9-87325645-G-A.
Other names: c.522G>A, p.Leu174= (NM_001007097.3, NM_001018064.3, NM_001018065.2 and 18 more transcripts); c.522G>A (NM_006180.4); c.54G>A, p.Leu18= (NM_001369535.1, NM_001369536.1, NM_001369550.1 and 2 more transcripts).
Identifiers: ClinVar variation 4722927 (VCV004722927.2).
Genomic context (GRCh38, chr9:84,710,730, plus strand): 5'-TGACATTATGTGGATCAAGACTCTCCAAGAGGCTAAATCCAGTCCAGACACTCAGGATTT[G>A]TACTGCCTGAATGAAAGCAGCAAGAATATTCCCCTGGCAAACCTGCAGATACCCAATTGT-3'
Protein context (NP_006171.2, residues 164-184): EAKSSPDTQD[Leu174=]YCLNESSKNI

ClinVar aggregate classification (germline): Likely benign. Review status: criteria provided, multiple submitters, no conflicts (2 of 4 stars). 2 submissions from 2 submitters: Likely benign (2). Last evaluated 2026-09-20.

Conditions:
NTRK2-related disorder. Also called: NTRK2-related condition.

gnomAD v4.1: 4 of 1,614,098 alleles (0.00025%); highest among the groups gnomAD compares: African/African-American, 0.0013%; no homozygotes.

Submissions (2):

PreventionGenetics, part of Exact Sciences
Classification: Likely benign for NTRK2-related condition. Last evaluated: 2026-09-20. Review status: criteria provided, single submitter. Criteria: ACMG Guidelines, 2015. Collection method: clinical testing. Allele origin: germline.
Comment: This variant is classified as likely benign based on ACMG/AMP sequence variant interpretation guidelines (Richards et al. 2015 PMID: 25741868, with internal and published modifications).

Labcorp Genetics (formerly Invitae), Labcorp
Classification: Likely benign. Last evaluated: 2025-07-09. Review status: criteria provided, single submitter. Criteria: Invitae Variant Classification Sherloc (09022015). Collection method: clinical testing. Allele origin: germline.